The following is an entry in ClinVar:

NM_001042492.3(NF1):c.3315-5C>T

Gene: NF1 (neurofibromin 1; plus strand). Cytogenetic location: 17q11.2.
Variant type: single nucleotide variant.
Coding change: c.3315-5C>T on transcript NM_001042492.3 (MANE Select); 5 bases into the intron before coding-DNA position 3315, C replaced by T.
Molecular consequence: intron variant.
Genome position (GRCh38, 1-based): chr17:31,232,695, C>T. VCF-style: chr17-31232695-C-T. GRCh37 (hg19) VCF-style: chr17-29559713-C-T.
Other names: c.3315-5C>T (NM_000267.4).
Identifiers: ClinVar variation 743890 (VCV000743890.17), dbSNP rs1266211447, ClinGen allele CA625471434.

ClinVar aggregate classification (germline): Conflicting classifications of pathogenicity. Review status: criteria provided, conflicting classifications (1 of 4 stars). 4 submissions from 4 submitters: Uncertain significance (3); Likely benign (1). Last evaluated 2025-10-21.

Conditions:
Hereditary cancer-predisposing syndrome. Also called: Tumor predisposition; Hereditary Cancer Syndrome; Neoplastic Syndromes, Hereditary; Hereditary neoplastic syndrome. Identifiers: Orphanet 140162, MedGen C0027672, MeSH D009386, MONDO:0015356.
Cardiovascular phenotype. Identifiers: MedGen CN230736.
Neurofibromatosis, type 1 (NF1). Also called: NEUROFIBROMATOSIS, TYPE I, SOMATIC; Neurofibromatosis, type I; Peripheral type neurofibromatosis; VON RECKLINGHAUSEN DISEASE. Identifiers: Orphanet 636, MedGen C0027831, MONDO:0018975, OMIM 162200. Disease mechanism: loss of function.

Allele frequency attached by ClinVar (database versions not stated): gnomAD exomes 0.00001.
gnomAD v4.1: 3 of 1,613,386 alleles (0.00019%); highest among the groups gnomAD compares: Admixed American, 0.005%; no homozygotes.

Submissions (4):

Labcorp Genetics (formerly Invitae), Labcorp
Classification: Likely benign for Neurofibromatosis, type 1. Last evaluated: 2025-10-21. Review status: criteria provided, single submitter. Criteria: Invitae Variant Classification Sherloc (09022015). Collection method: clinical testing. Allele origin: germline.

Quest Diagnostics Nichols Institute San Juan Capistrano
Classification: Uncertain significance. Last evaluated: 2025-04-04. Review status: criteria provided, single submitter. Criteria: Quest Diagnostics criteria. Collection method: clinical testing. Allele origin: unknown.

St. Jude Molecular Pathology, St. Jude Children's Research Hospital
Classification: Uncertain significance for Neurofibromatosis, type 1. Last evaluated: 2023-08-17. Review status: criteria provided, single submitter. Criteria: St. Jude Assertion Criteria 2020. Collection method: clinical testing. Allele origin: germline.
Comment: The NF1 c.3315-5C>T intronic change results in a C to T substitution at the -5 position of intron 25 of the NF1 gene. Algorithms that predict the impact of sequence changes on splicing indicate that this variant may affect splicing, however RNA studies indicate no splicing effect (internal data). The variant has a maximum subpopulation frequency of 0.008% in gnomAD v2.1.1. To our knowledge, this variant has not been reported in individuals with Neurofibromatosis type 1. In summary, the evidence currently available is insufficient to determine the clinical significance of this variant. It has therefore been classified as of uncertain significance.

Ambry Genetics
Classification: Uncertain significance for Cardiovascular phenotype; Hereditary cancer-predisposing syndrome. Last evaluated: 2022-11-28. Review status: criteria provided, single submitter. Criteria: Ambry Variant Classification Scheme 2023. Collection method: clinical testing. Allele origin: germline.
Comment: The c.3315-5C>T intronic alteration consists of a C to T substitution 5 nucleotides before coding exon 26 in the NF1 gene. Based on insufficient or conflicting evidence, the clinical significance of this alteration remains unclear.